The following is an entry in ClinVar:

NM_001321142.2(CIDEC):c.467T>C (p.Ile156Thr)

Gene: CIDEC (cell death inducing DFFA like effector c; minus strand). Cytogenetic location: 3p25.3.
Variant type: single nucleotide variant.
Coding change: c.467T>C on transcript NM_001321142.2 (MANE Select); coding-DNA position 467, T replaced by C.
Protein change: p.Ile156Thr; replaces isoleucine 156 with threonine.
Molecular consequence: missense variant.
Genome position (GRCh38, 1-based): chr3:9,869,969, A>G on the plus strand (T>C on the coding strand, the complement: CIDEC is on the minus strand). VCF-style: chr3-9869969-A-G. GRCh37 (hg19) VCF-style: chr3-9911653-A-G.
Other names: p.Ile169Thr; c.467T>C, p.Ile156Thr (NM_022094.3, NM_001199552.2, NM_001378491.1); c.497T>C, p.Ile166Thr (NM_001199551.2); c.506T>C, p.Ile169Thr (NM_001199623.2); c.245T>C, p.Ile82Thr (NM_001321143.2, NM_001321144.2); c.506T>C (NM_001199623.1); short protein forms I156T, I166T, I82T, I169T.
Identifiers: ClinVar variation 434768 (VCV000434768.9), dbSNP rs201709635, ClinGen allele CA2245591.

ClinVar aggregate classification (germline): Uncertain significance. Review status: criteria provided, multiple submitters, no conflicts (2 of 4 stars). 3 submissions from 3 submitters: Uncertain significance (3). Last evaluated 2024-10-08.

Allele frequency attached by ClinVar (database versions not stated): gnomAD exomes 0.00002 and 0.00006; ExAC 0.00007; ESP Exome Variant Server 0.00008; 1000 Genomes Project 30x 0.00016; gnomAD 0.00016; 1000 Genomes Project 0.00020; TOPMed 0.00022.
gnomAD v4.1: 82 of 1,614,216 alleles (0.0051%); highest among the groups gnomAD compares: African/African-American, 0.04%; no homozygotes.

Submissions (3):

Ambry Genetics
Classification: Uncertain significance. Last evaluated: 2024-10-08. Review status: criteria provided, single submitter. Criteria: Ambry Variant Classification Scheme 2023. Collection method: clinical testing. Allele origin: germline.

Mayo Clinic Laboratories, Mayo Clinic
Classification: Uncertain significance. Last evaluated: 2024-05-09. Review status: criteria provided, single submitter. Criteria: ACMG Guidelines, 2015. Collection method: clinical testing. Allele origin: germline. Observed: 1 variant allele.
Comment: PP3

Genetic Services Laboratory, University of Chicago
Classification: Uncertain significance. Last evaluated: 2016-08-08. Review status: criteria provided, single submitter. Criteria: ACMG Guidelines, 2015. Collection method: clinical testing. Allele origin: germline. Affected: no.